The following is an entry in ClinVar:

ClinVar aggregate classification (germline): Uncertain significance. Review status: criteria provided, multiple submitters, no conflicts (2 of 4 stars). 2 submissions from 2 submitters: Uncertain significance (2). Last evaluated 2024-09-11.

Conditions:
Ehlers-Danlos syndrome, classic type, 1 (EDSCL1). Also called: Ehlers-Danlos Syndrome, Classic Type, COL5A1-Related; EHLERS-DANLOS SYNDROME, GRAVIS TYPE; EHLERS-DANLOS SYNDROME, SEVERE CLASSIC TYPE; Ehlers-Danlos syndrome, type 1; EDS I. Identifiers: MedGen C0268335, MONDO:0019567, OMIM 130000.
Familial thoracic aortic aneurysm and aortic dissection (TAAD). Also called: Thoracic aortic aneurysms and dissections. Identifiers: Orphanet 91387, MedGen C4707243, MONDO:0019625.

Allele frequency attached by ClinVar (database versions not stated): TOPMed 0.00001; gnomAD 0.00001; ExAC 0.00002; gnomAD exomes 0.00002.
gnomAD v4.1: 36 of 1,613,906 alleles (0.0022%); highest among the groups gnomAD compares: South Asian, 0.0033%; no homozygotes.

Submissions (2):

Labcorp Genetics (formerly Invitae), Labcorp
Classification: Uncertain significance for Ehlers-Danlos syndrome, classic type, 1. Last evaluated: 2024-09-11. Review status: criteria provided, single submitter. Criteria: Invitae Variant Classification Sherloc (09022015). Collection method: clinical testing. Allele origin: germline.
Comment: This sequence change replaces alanine, which is neutral and non-polar, with valine, which is neutral and non-polar, at codon 477 of the COL5A1 protein (p.Ala477Val). This variant is present in population databases (rs763650548, gnomAD 0.004%). This variant has not been reported in the literature in individuals affected with COL5A1-related conditions. ClinVar contains an entry for this variant (Variation ID: 264313). An algorithm developed to predict the effect of missense changes on protein structure and function (PolyPhen-2) suggests that this variant is likely to be disruptive. In summary, the available evidence is currently insufficient to determine the role of this variant in disease. Therefore, it has been classified as a Variant of Uncertain Significance.

Ambry Genetics
Classification: Uncertain significance for Familial thoracic aortic aneurysm and aortic dissection. Last evaluated: 2015-08-24. Review status: criteria provided, single submitter. Criteria: Ambry Variant Classification Scheme 2023. Collection method: clinical testing. Allele origin: germline.
Comment: The p.A477V variant (also known as c.1430C>T), located in coding exon 10 of the COL5A1 gene, results from a C to T substitution at nucleotide position 1430. The alanine at codon 477 is replaced by valine, an amino acid with similar properties. This variant was not reported in population based cohorts in the following databases: Database of Single Nucleotide Polymorphisms (dbSNP), NHLBI Exome Sequencing Project (ESP), and 1000 Genomes Project. In the ESP, this variant was not observed in 6503 samples (13006 alleles) with coverage at this position. This amino acid position is highly conserved in available vertebrate species. In addition, this alteration is predicted to be probably damaging in PolyPhen but tolerated by SIFT in silico analyses. Since supporting evidence is limited at this time, the clinical significance of this variant remains unclear.

NM_000093.5(COL5A1):c.1430C>T (p.Ala477Val)

Gene: COL5A1 (collagen type V alpha 1 chain; plus strand). Cytogenetic location: 9q34.3.
Variant type: single nucleotide variant.
Coding change: c.1430C>T on transcript NM_000093.5 (MANE Select); coding-DNA position 1430, C replaced by T.
Protein change: p.Ala477Val; replaces alanine 477 with valine.
Molecular consequence: missense variant.
Genome position (GRCh38, 1-based): chr9:134,738,514, C>T. VCF-style: chr9-134738514-C-T. GRCh37 (hg19) VCF-style: chr9-137630360-C-T.
Other names: c.1430C>T, p.Ala477Val (NM_001278074.1); short protein forms A477V.
Identifiers: ClinVar variation 264313 (VCV000264313.10), dbSNP rs763650548, ClinGen allele CA5318789.